The following is an entry in ClinVar:

NM_001148.6(ANK2):c.5851G>A (p.Val1951Ile)

Genes: ANK2 (ankyrin 2; plus strand), LOC126807136 (MED14-independent group 3 enhancer GRCh37_chr4:114274931-114276130; plus strand). Cytogenetic location: 4q26.
Variant type: single nucleotide variant.
Coding change: c.5851G>A on transcript NM_001148.6 (MANE Select); coding-DNA position 5851, G replaced by A.
Protein change: p.Val1951Ile; replaces valine 1951 with isoleucine.
Molecular consequence: missense variant. On other transcripts: intron variant (68).
Genome position (GRCh38, 1-based): chr4:113,354,469, G>A. VCF-style: chr4-113354469-G-A. GRCh37 (hg19) VCF-style: chr4-114275625-G-A.
Other names: c.4207+4220G>A (NM_001386153.1, NM_001386146.1, NM_001386150.1 and 1 more transcripts); c.4192+4220G>A (NM_001354274.2, NM_001386154.1); c.4141+4220G>A (NM_001386151.1, NM_001354271.2, NM_001354260.2); c.4042+4220G>A (NM_001354277.2, NM_001386157.1); c.4360+4220G>A (NM_001386161.1, NM_001354244.2, NM_001354256.2); c.4285+4220G>A (NM_001354261.2); c.4165+4220G>A (NM_001386156.1, NM_001354257.2); c.4261+4220G>A (NM_001354264.2); and 35 more; short protein forms V1873I, V751I, V1990I, V1951I, V1998I.
Identifiers: ClinVar variation 3707355 (VCV003707355.3).

ClinVar aggregate classification (germline): Conflicting classifications of pathogenicity. Review status: criteria provided, conflicting classifications (1 of 4 stars). 2 submissions from 2 submitters: Uncertain significance (1); Likely benign (1). Last evaluated 2025-03-25.

Conditions:
Cardiovascular phenotype. Identifiers: MedGen CN230736.
Long QT syndrome (LQTS). Identifiers: MedGen C0023976, MeSH D008133, MONDO:0002442. Disease mechanism: loss of function. Inheritance: Various modes of inheritance.

gnomAD v4.1: 6 of 1,614,082 alleles (0.00037%); highest among the groups gnomAD compares: Non-Finnish European, 0.00042%; no homozygotes.

Submissions (2):

Ambry Genetics
Classification: Uncertain significance for Cardiovascular phenotype. Last evaluated: 2025-03-25. Review status: criteria provided, single submitter. Criteria: Ambry Variant Classification Scheme 2023. Collection method: clinical testing. Allele origin: germline.
Comment: The p.V1951I variant (also known as c.5851G>A), located in coding exon 38 of the ANK2 gene, results from a G to A substitution at nucleotide position 5851. The valine at codon 1951 is replaced by isoleucine, an amino acid with highly similar properties. This amino acid position is conserved. In addition, this alteration is predicted to be tolerated by in silico analysis. Based on the available evidence, the clinical significance of this variant remains unclear.

Labcorp Genetics (formerly Invitae), Labcorp
Classification: Likely benign for Long QT syndrome. Last evaluated: 2024-02-14. Review status: criteria provided, single submitter. Criteria: Invitae Variant Classification Sherloc (09022015). Collection method: clinical testing. Allele origin: germline.